The following is an entry in ClinVar:

NM_000404.4(GLB1):c.1616G>A (p.Trp539Ter)

Gene: GLB1 (galactosidase beta 1; minus strand). Cytogenetic location: 3p22.3.
Variant type: single nucleotide variant.
Coding change: c.1616G>A on transcript NM_000404.4 (MANE Select); coding-DNA position 1616, G replaced by A.
Protein change: p.Trp539Ter; replaces tryptophan 539 with a stop codon.
Molecular consequence: nonsense.
Genome position (GRCh38, 1-based): chr3:33,014,174, C>T on the plus strand (G>A on the coding strand, the complement: GLB1 is on the minus strand). VCF-style: chr3-33014174-C-T. GRCh37 (hg19) VCF-style: chr3-33055666-C-T.
Other names: c.1526G>A, p.Trp509Ter (NM_001079811.3); c.1223G>A, p.Trp408Ter (NM_001135602.3); c.1760G>A, p.Trp587Ter (NM_001317040.2); c.1616G>A, p.Trp539Ter (NM_001393580.1); short protein forms W408*, W587*, W509*, W539*.
Identifiers: ClinVar variation 1382131 (VCV001382131.6), dbSNP rs2125463197, ClinGen allele CA351985696.

ClinVar aggregate classification (germline): Pathogenic (1 of 4 stars; one submission).

Conditions:
Mucopolysaccharidosis, MPS-IV-B (MPS4B). Also called: MORQUIO SYNDROME B; Mucopolysaccharidosis Type IVB (Morquio B Disease); Mucopolysaccharidosis type 4B; Mucopolysaccharidosis type IVB (Morquio); MPS IVB; Mucopolysaccharidosis type IV B. Identifiers: Orphanet 309310, Orphanet 582, MedGen C0086652, MONDO:0009660, OMIM 253010.
GM1 gangliosidosis. Identifiers: Orphanet 354, MedGen C0085131, MONDO:0018149.

Submission:

Labcorp Genetics (formerly Invitae), Labcorp
Classification: Pathogenic for Mucopolysaccharidosis, MPS-IV-B; GM1 gangliosidosis. Last evaluated: 2023-03-04. Review status: criteria provided, single submitter. Criteria: Invitae Variant Classification Sherloc (09022015). Collection method: clinical testing. Allele origin: germline.
Comment: For these reasons, this variant has been classified as Pathogenic. ClinVar contains an entry for this variant (Variation ID: 1382131). This variant has not been reported in the literature in individuals affected with GLB1-related conditions. This variant is not present in population databases (gnomAD no frequency). This sequence change creates a premature translational stop signal (p.Trp539*) in the GLB1 gene. It is expected to result in an absent or disrupted protein product. Loss-of-function variants in GLB1 are known to be pathogenic (PMID: 18524657).

Literature cited by the submitters: PubMed 18524657.